The following is an entry in ClinVar:

NM_080424.4(SP110):c.209C>T (p.Thr70Ile)

Genes: SP110 (SP110 nuclear body protein; minus strand), SP140 (SP140 nuclear body protein; plus strand). Cytogenetic location: 2q37.1.
Variant type: single nucleotide variant.
Coding change: c.209C>T on transcript NM_080424.4 (MANE Select); coding-DNA position 209, C replaced by T.
Protein change: p.Thr70Ile; replaces threonine 70 with isoleucine.
Molecular consequence: missense variant.
Genome position (GRCh38, 1-based): chr2:230,215,057, G>A on the plus strand (C>T on the coding strand, the complement: SP110 is on the minus strand). VCF-style: chr2-230215057-G-A. GRCh37 (hg19) VCF-style: chr2-231079772-G-A.
Other names: c.227C>T, p.Thr76Ile (NM_001185015.2, NM_001378442.1, NM_001378444.1 and 2 more transcripts); c.209C>T, p.Thr70Ile (NM_001378443.1, NM_001378447.1, NM_004509.5 and 1 more transcripts); short protein forms T70I, T76I.
Identifiers: ClinVar variation 840273 (VCV000840273.9), dbSNP rs2044953751, ClinGen allele CA350918649.

ClinVar aggregate classification (germline): Uncertain significance (1 of 4 stars; one submission).

Conditions:
Hepatic veno-occlusive disease-immunodeficiency syndrome. Also called: Hepatic Veno-Occlusive Disease with Immunodeficiency. Identifiers: Orphanet 79124, MedGen C1856128, MONDO:0009338, OMIM 235550. Disease mechanism: loss of function.

Submission:

Labcorp Genetics (formerly Invitae), Labcorp
Classification: Uncertain significance for Hepatic veno-occlusive disease-immunodeficiency syndrome. Last evaluated: 2021-07-21. Review status: criteria provided, single submitter. Criteria: Invitae Variant Classification Sherloc (09022015). Collection method: clinical testing. Allele origin: germline.
Comment: Algorithms developed to predict the effect of missense changes on protein structure and function are either unavailable or do not agree on the potential impact of this missense change (SIFT: "Deleterious"; PolyPhen-2: "Probably Damaging"; Align-GVGD: "Class C0"). In summary, the available evidence is currently insufficient to determine the role of this variant in disease. Therefore, it has been classified as a Variant of Uncertain Significance. This variant has not been reported in the literature in individuals with SP110-related conditions. This variant is not present in population databases (ExAC no frequency). This sequence change replaces threonine with isoleucine at codon 70 of the SP110 protein (p.Thr70Ile). The threonine residue is moderately conserved and there is a moderate physicochemical difference between threonine and isoleucine.